The following is an entry in ClinVar:

NM_012210.4(TRIM32):c.1770C>A (p.Ile590=)

Genes: ASTN2 (astrotactin 2; minus strand), TRIM32 (tripartite motif containing 32; plus strand). Cytogenetic location: 9q33.1.
Variant type: single nucleotide variant.
Coding change: c.1770C>A on transcript NM_012210.4 (MANE Select); coding-DNA position 1770, C replaced by A.
Protein change: p.Ile590=; no amino-acid change (isoleucine 590 retained).
Molecular consequence: synonymous variant. On other transcripts: intron variant (3).
Genome position (GRCh38, 1-based): chr9:116,699,512, C>A. VCF-style: chr9-116699512-C-A. GRCh37 (hg19) VCF-style: chr9-119461791-C-A.
Other names: c.1770C>A, p.Ile590= (NM_001099679.2, NM_001379048.1, NM_001379049.1 and 1 more transcripts); c.2653+26259G>T (NM_014010.5); c.2794+26259G>T (NM_001365069.1); c.2806+26259G>T (NM_001365068.1).
Identifiers: ClinVar variation 4993107 (VCV004993107.1).

ClinVar aggregate classification (germline): Likely benign (1 of 4 stars; one submission).

Conditions:
TRIM32-related disorder. Also called: TRIM32-related condition.

gnomAD v4.1: 1 of 1,614,044 alleles (0.000062%); highest among the groups gnomAD compares: Non-Finnish European, 0.000085%; no homozygotes.

Submission:

PreventionGenetics, part of Exact Sciences
Classification: Likely benign for TRIM32-related condition. Last evaluated: 2026-09-23. Review status: criteria provided, single submitter. Criteria: ACMG Guidelines, 2015. Collection method: clinical testing. Allele origin: germline.
Comment: This variant is classified as likely benign based on ACMG/AMP sequence variant interpretation guidelines (Richards et al. 2015 PMID: 25741868, with internal and published modifications).